The following is an entry in ClinVar:

ClinVar aggregate classification (germline): Uncertain significance. Review status: criteria provided, multiple submitters, no conflicts (2 of 4 stars). 2 submissions from 2 submitters: Uncertain significance (2). Last evaluated 2025-03-04.

Conditions:
Hereditary cancer-predisposing syndrome. Also called: Neoplastic Syndromes, Hereditary; Hereditary Cancer Syndrome; Tumor predisposition; Hereditary neoplastic syndrome. Identifiers: Orphanet 140162, MedGen C0027672, MeSH D009386, MONDO:0015356.

Submissions (2):

Center for Genomic Medicine, Rigshospitalet, Copenhagen University Hospital
Classification: Uncertain significance. Last evaluated: 2025-03-04. Review status: criteria provided, single submitter. Criteria: ACMG Guidelines, 2015. Collection method: clinical testing. Allele origin: germline.

Ambry Genetics
Classification: Uncertain significance for Hereditary cancer-predisposing syndrome. Last evaluated: 2017-10-03. Review status: criteria provided, single submitter. Criteria: Ambry Variant Classification Scheme 2023. Collection method: clinical testing. Allele origin: germline.
Comment: The p.Y2100H variant (also known as c.6298T>C), located in coding exon 42 of the ATM gene, results from a T to C substitution at nucleotide position 6298. The tyrosine at codon 2100 is replaced by histidine, an amino acid with similar properties. This amino acid position is well conserved in available vertebrate species. In addition, the in silico prediction for this alteration is inconclusive. Since supporting evidence is limited at this time, the clinical significance of this alteration remains unclear.

NM_000051.4(ATM):c.6298T>C (p.Tyr2100His)

Genes: ATM (ATM serine/threonine kinase; plus strand), C11orf65 (chromosome 11 open reading frame 65; minus strand). Cytogenetic location: 11q22.3.
Variant type: single nucleotide variant.
Coding change: c.6298T>C on transcript NM_000051.4 (MANE Select); coding-DNA position 6298, T replaced by C.
Protein change: p.Tyr2100His; replaces tyrosine 2100 with histidine.
Molecular consequence: missense variant. On other transcripts: intron variant (2).
Genome position (GRCh38, 1-based): chr11:108,317,472, T>C. VCF-style: chr11-108317472-T-C. GRCh37 (hg19) VCF-style: chr11-108188199-T-C.
Other names: c.6298T>C, p.Tyr2100His (NM_001351834.2); c.641-8401A>G (NM_001330368.2); c.*39-8401A>G (NM_001351110.2); short protein forms Y2100H.
Identifiers: ClinVar variation 478955 (VCV000478955.11), dbSNP rs1555114752, ClinGen allele CA382552093.